The following is an entry in ClinVar:

ClinVar aggregate classification (germline): Uncertain significance. Review status: criteria provided, single submitter (1 of 4 stars). 2 submissions from 2 submitters: Uncertain significance (1). 1 of the submissions does not count toward it. Last evaluated 2020-05-14.

Conditions:
EIF3F-related disorder. Also called: EIF3F-related condition.
Intellectual developmental disorder, autosomal recessive 67. Also called: MENTAL RETARDATION, AUTOSOMAL RECESSIVE 67. Identifiers: MedGen C4749019, MONDO:0032662, OMIM 618295.

Allele frequency attached by ClinVar (database versions not stated): 1000 Genomes Project 30x 0.00016; ESP Exome Variant Server 0.00054; TOPMed 0.00083.

Submissions (2):

New York Genome Center
Classification: Uncertain significance for Intellectual developmental disorder, autosomal recessive 67. Last evaluated: 2020-05-14. Review status: criteria provided, single submitter. Criteria: NYGC Assertion Criteria 2020. Collection method: clinical testing. Allele origin: germline. Inheritance: Autosomal recessive inheritance. Observed: 1 heterozygote. Study: CSER-NYCKidSeq.

PreventionGenetics, part of Exact Sciences
Classification: Likely benign for EIF3F-related condition. Last evaluated: 2023-04-11. Review status: no assertion criteria provided. Collection method: clinical testing. Allele origin: germline. Not counted in ClinVar's aggregate classification.
Comment: This variant is classified as likely benign based on ACMG/AMP sequence variant interpretation guidelines (Richards et al. 2015 PMID: 25741868, with internal and published modifications).

NM_003754.3(EIF3F):c.653+3G>T

Gene: EIF3F (eukaryotic translation initiation factor 3 subunit F; plus strand). Cytogenetic location: 11p15.4.
Variant type: single nucleotide variant.
Coding change: c.653+3G>T on transcript NM_003754.3 (MANE Select); 3 bases into the intron after coding-DNA position 653, G replaced by T.
Molecular consequence: intron variant.
Genome position (GRCh38, 1-based): chr11:7,993,027, G>T. VCF-style: chr11-7993027-G-T. GRCh37 (hg19) VCF-style: chr11-8014574-G-T.
Other names: c.653+3G>T (NM_003754.2).
Identifiers: ClinVar variation 996992 (VCV000996992.3), dbSNP rs200275224, ClinGen allele CA5870596.